The following is an entry in ClinVar:

NM_000377.3(WAS):c.1174C>T (p.Pro392Ser)

Gene: WAS (WASP actin nucleation promoting factor; plus strand). Cytogenetic location: Xp11.23.
Variant type: single nucleotide variant.
Coding change: c.1174C>T on transcript NM_000377.3 (MANE Select); coding-DNA position 1174, C replaced by T.
Protein change: p.Pro392Ser; replaces proline 392 with serine.
Molecular consequence: missense variant.
Genome position (GRCh38, 1-based): chrX:48,688,902, C>T. VCF-style: chrX-48688902-C-T. GRCh37 (hg19) VCF-style: chrX-48547291-C-T.
Other names: c.1018C>T, p.Pro340Ser (NM_001438876.1, NM_001438878.1); c.1174C>T, p.Pro392Ser (NM_001438877.1, NM_001438879.1); short protein forms P392S, P340S.
Identifiers: ClinVar variation 4998730 (VCV004998730.1).

ClinVar aggregate classification (germline): Uncertain significance (1 of 4 stars; one submission).

Conditions:
WAS-related disorder. Also called: WAS-Related Disorders; WAS-related condition. Identifiers: MedGen CN381538.

Submission:

PreventionGenetics, part of Exact Sciences
Classification: Uncertain significance for WAS-related condition. Last evaluated: 2025-01-02. Review status: criteria provided, single submitter. Criteria: ACMG Guidelines, 2015. Collection method: clinical testing. Allele origin: germline.
Comment: The WAS c.1174C>T variant is predicted to result in the amino acid substitution p.Pro392Ser. To our knowledge, this variant has not been reported in the literature or in a large population database (gnomAD), indicating this variant is rare. At this time, the clinical significance of this variant is uncertain due to the absence of conclusive functional and genetic evidence.